The following is an entry in ClinVar:

NM_005045.4(RELN):c.7012C>T (p.His2338Tyr)

Gene: RELN (reelin; minus strand). Cytogenetic location: 7q22.1.
Variant type: single nucleotide variant.
Coding change: c.7012C>T on transcript NM_005045.4 (MANE Select); coding-DNA position 7012, C replaced by T.
Protein change: p.His2338Tyr; replaces histidine 2338 with tyrosine.
Molecular consequence: missense variant.
Genome position (GRCh38, 1-based): chr7:103,539,246, G>A on the plus strand (C>T on the coding strand, the complement: RELN is on the minus strand). VCF-style: chr7-103539246-G-A. GRCh37 (hg19) VCF-style: chr7-103179693-G-A.
Other names: c.7012C>T, p.His2338Tyr (NM_173054.3); short protein forms H2338Y.
Identifiers: ClinVar variation 1426163 (VCV001426163.8), dbSNP rs2117126938, ClinGen allele CA368769337.

ClinVar aggregate classification (germline): Uncertain significance (1 of 4 stars; one submission).

Conditions:
Norman-Roberts syndrome (LIS2). Also called: Lissencephaly 2 (Norman-Roberts type). Identifiers: Orphanet 89844, MedGen C0796089, MONDO:0009760, OMIM 257320.
Familial temporal lobe epilepsy 7. Identifiers: Orphanet 101046, MedGen C4225327, MONDO:0014639, OMIM 616436.

Submission:

Labcorp Genetics (formerly Invitae), Labcorp
Classification: Uncertain significance for Familial temporal lobe epilepsy 7; Norman-Roberts syndrome. Last evaluated: 2021-05-27. Review status: criteria provided, single submitter. Criteria: Invitae Variant Classification Sherloc (09022015). Collection method: clinical testing. Allele origin: germline.
Comment: Algorithms developed to predict the effect of missense changes on protein structure and function are either unavailable or do not agree on the potential impact of this missense change (SIFT: "Deleterious"; PolyPhen-2: "Probably Damaging"; Align-GVGD: "Class C0"). This variant has not been reported in the literature in individuals with RELN-related conditions. This variant is not present in population databases (ExAC no frequency). This sequence change replaces histidine with tyrosine at codon 2338 of the RELN protein (p.His2338Tyr). The histidine residue is moderately conserved and there is a moderate physicochemical difference between histidine and tyrosine. In summary, the available evidence is currently insufficient to determine the role of this variant in disease. Therefore, it has been classified as a Variant of Uncertain Significance.